The following is an entry in ClinVar:

NM_007294.4(BRCA1):c.5420T>A (p.Ile1807Asn)

Gene: BRCA1 (BRCA1 DNA repair associated; minus strand). Cytogenetic location: 17q21.31.
Variant type: single nucleotide variant.
Coding change: c.5420T>A on transcript NM_007294.4 (MANE Select); coding-DNA position 5420, T replaced by A.
Protein change: p.Ile1807Asn; replaces isoleucine 1807 with asparagine.
Molecular consequence: missense variant. On other transcripts: non-coding transcript variant (1).
Genome position (GRCh38, 1-based): chr17:43,047,690, A>T on the plus strand (T>A on the coding strand, the complement: BRCA1 is on the minus strand). VCF-style: chr17-43047690-A-T. GRCh37 (hg19) VCF-style: chr17-41199707-A-T.
Other names: c.5207T>A, p.Ile1736Asn (NM_001407571.1, NM_001407894.1, NM_001407908.1 and 12 more transcripts); c.5486T>A, p.Ile1829Asn (NM_001407581.1, NM_001407582.1); c.5483T>A, p.Ile1828Asn (NM_001407583.1, NM_001407585.1, NM_001407587.1 and 1 more transcripts); c.5480T>A, p.Ile1827Asn (NM_001407590.1, NM_001407591.1); c.5420T>A, p.Ile1807Asn (NM_001407593.1, NM_001407594.1, NM_001407596.1 and 5 more transcripts); c.5417T>A, p.Ile1806Asn (NM_001407615.1, NM_001407616.1, NM_001407617.1 and 14 more transcripts); c.5414T>A, p.Ile1805Asn (NM_001407634.1, NM_001407635.1, NM_001407636.1 and 13 more transcripts); c.5339T>A, p.Ile1780Asn (NM_001407656.1, NM_001407657.1, NM_001407658.1); and 83 more; short protein forms I1760N, I703N, N678K, I1807N, I1828N, I1678N, I1695N, I1696N.
Identifiers: ClinVar variation 868477 (VCV000868477.3), dbSNP rs2050991229, ClinGen allele CA10590612.

Conditions:
Breast-ovarian cancer, familial, susceptibility to, 1 (BROVCA1). Also called: BRCA1 Hereditary Breast and Ovarian Cancer; OVARIAN CANCER, SUSCEPTIBILITY TO. Identifiers: Orphanet 145, MedGen C2676676, MONDO:0011450, OMIM 604370. Disease mechanism: loss of function.

Submission:

Brotman Baty Institute, University of Washington
No classification provided (evidence only). Condition: Breast-ovarian cancer, familial 1. Review status: no classification provided. Collection method: in vitro. Allele origin: not applicable. Functional consequence: functionally_abnormal.
ClinVar note: "not provided" was previously submitted as the classification for the variant. However, the classification appeared to be based only on an observation of functional data so it was converted to no classification on 2025-07-30.